The following is an entry in ClinVar:

ClinVar aggregate classification (germline): Likely benign (1 of 4 stars; one submission).

Conditions:
NRP1-related disorder. Also called: NRP1-related condition.

gnomAD v4.1: 15 of 1,604,310 alleles (0.00093%); highest among the groups gnomAD compares: African/African-American, 0.0013%; no homozygotes.

Submission:

PreventionGenetics, part of Exact Sciences
Classification: Likely benign for NRP1-related condition. Last evaluated: 2025-08-27. Review status: criteria provided, single submitter. Criteria: ACMG Guidelines, 2015. Collection method: clinical testing. Allele origin: germline.
Comment: This variant is classified as likely benign based on ACMG/AMP sequence variant interpretation guidelines (Richards et al. 2015 PMID: 25741868, with internal and published modifications).

NM_003873.7(NRP1):c.2514A>G (p.Glu838=)

Gene: NRP1 (neuropilin 1; minus strand). Cytogenetic location: 10p11.22.
Variant type: single nucleotide variant.
Coding change: c.2514A>G on transcript NM_003873.7 (MANE Select); coding-DNA position 2514, A replaced by G.
Protein change: p.Glu838=; no amino-acid change (glutamic acid 838 retained).
Molecular consequence: synonymous variant. On other transcripts: non-coding transcript variant (1).
Genome position (GRCh38, 1-based): chr10:33,180,334, T>C on the plus strand (A>G on the coding strand, the complement: NRP1 is on the minus strand). VCF-style: chr10-33180334-T-C. GRCh37 (hg19) VCF-style: chr10-33469262-T-C.
Other names: c.2496A>G, p.Glu832= (NM_001244972.2); c.2493A>G, p.Glu831= (NM_001244973.2); c.2463A>G, p.Glu821= (NM_001330068.2).
Identifiers: ClinVar variation 4987163 (VCV004987163.1).